The following is an entry in ClinVar:

ClinVar aggregate classification (germline): Likely benign (1 of 4 stars; one submission).

Conditions:
TBX3-related disorder. Also called: TBX3-related condition.

gnomAD v4.1: 3 of 1,609,318 alleles (0.00019%); highest among the groups gnomAD compares: Non-Finnish European, 0.00025%; no homozygotes.

Submission:

PreventionGenetics, part of Exact Sciences
Classification: Likely benign for TBX3-related condition. Last evaluated: 2025-05-02. Review status: criteria provided, single submitter. Criteria: ACMG Guidelines, 2015. Collection method: clinical testing. Allele origin: germline.
Comment: This variant is classified as likely benign based on ACMG/AMP sequence variant interpretation guidelines (Richards et al. 2015 PMID: 25741868, with internal and published modifications).

NM_005996.4(TBX3):c.-1G>A

Genes: TBX3 (T-box transcription factor 3; minus strand), TBX3-AS1 (TBX3 antisense RNA 1; plus strand). Cytogenetic location: 12q24.21.
Variant type: single nucleotide variant.
Coding change: c.-1G>A on transcript NM_005996.4 (MANE Select); 1 bases upstream of the start codon, G replaced by A.
Molecular consequence: 5 prime UTR variant.
Genome position (GRCh38, 1-based): chr12:114,683,201, C>T on the plus strand (G>A on the coding strand, the complement: TBX3 is on the minus strand). VCF-style: chr12-114683201-C-T. GRCh37 (hg19) VCF-style: chr12-115121006-C-T.
Other names: c.-1G>A (NM_016569.4).
Identifiers: ClinVar variation 5001797 (VCV005001797.1).
Genomic context (GRCh38, chr12:114,683,201, plus strand): 5'-GAACGGATGGTAGGCCATGCTTGTCCCAGGAATGACCGGATCTCTCATGGAGAGGCTCAT[C>T]CACTCCAGGCGGGGCGCTGGGCTCCAGCCGGGGACAAGTCCGCAGCTGCTGTGTTTTGTT-3'